The following is an entry in ClinVar:

NM_013275.6(ANKRD11):c.5637dup (p.Glu1880fs)

Gene: ANKRD11 (ankyrin repeat domain containing 11; minus strand). Cytogenetic location: 16q24.3.
Variant type: Duplication.
Coding change: c.5637dup on transcript NM_013275.6 (MANE Select); coding-DNA position 5637, one base duplicated (A; older notation c.5637dupA).
Protein change: p.Glu1880fs; shifts the reading frame from glutamic acid 1880.
Molecular consequence: frameshift variant.
Genome position (GRCh38, 1-based): chr16:89,280,905, T duplicated on the plus strand (A on the coding strand, the reverse complement: ANKRD11 is on the minus strand). VCF-style (leftmost placement, unchanged base first): chr16-89280904-C-CT. GRCh37 (hg19) VCF-style: chr16-89347312-C-CT.
Other names: c.5637dup, p.Glu1880fs (NM_001256182.2, NM_001256183.2); short protein forms E1880fs.
Identifiers: ClinVar variation 817262 (VCV000817262.1), dbSNP rs1597444731, ClinGen allele CA915949413.

ClinVar aggregate classification (germline): Likely pathogenic (1 of 4 stars; one submission).

Submission:

GeneDx
Classification: Likely pathogenic. Last evaluated: 2018-09-25. Review status: criteria provided, single submitter. Criteria: GeneDx Variant Classification (06012015). Collection method: clinical testing. Allele origin: germline. Affected: yes.
Comment: A variant that is likely pathogenic has been identified in the ANKRD11 gene. The c.5637dupA variant has not been published as a pathogenic variant, nor has it been reported as a benign variant to our knowledge. The c.5637dupA variant is not observed in large population cohorts (Lek et al., 2016). The c.5637dupA variant causes a frameshift starting with codon Glutamic acid 1880, changes this amino acid to an Arginine residue and creates a premature Stop codon at position 70 of the new reading frame, denoted p.Glu1880ArgfsX70. This variant is predicted to cause loss of normal protein function either through protein truncation or nonsense-mediated mRNA decay. Therefore, this variant is likely pathogenic; however, the possibility that it is benign cannot be excluded.